The following is an entry in ClinVar:

NM_000503.6(EYA1):c.1474del (p.Arg492fs)

Gene: EYA1 (EYA transcriptional coactivator and phosphatase 1; minus strand). Cytogenetic location: 8q13.3.
Variant type: Deletion.
Coding change: c.1474del on transcript NM_000503.6 (MANE Select); coding-DNA position 1474, one base deleted (C; older notation c.1474delC).
Protein change: p.Arg492fs; shifts the reading frame from arginine 492.
Molecular consequence: frameshift variant.
Genome position (GRCh38, 1-based): chr8:71,215,615, G deleted on the plus strand (C on the coding strand, the reverse complement: EYA1 is on the minus strand); the first of 3 consecutive G bases (chr8:71,215,615-71,215,617); deleting any one gives the same sequence. VCF-style (leftmost placement, unchanged base first): chr8-71215614-CG-C. GRCh37 (hg19) VCF-style: chr8-72127849-CG-C.
Other names: c.1456del, p.Arg486fs (NM_001288574.2, NM_172059.5); c.1108del, p.Arg370fs (NM_001288575.2); c.1561del, p.Arg521fs (NM_001370333.1); c.1474del, p.Arg492fs (NM_001370334.1, NM_001370335.1, NM_172058.4); c.1453del, p.Arg485fs (NM_001370336.1); c.1375del, p.Arg459fs (NM_001411797.1, NM_172060.4); short protein forms R370fs, R459fs, R485fs, R486fs, R492fs, R521fs.
Identifiers: ClinVar variation 3601099 (VCV003601099.1).

ClinVar aggregate classification (germline): Pathogenic (1 of 4 stars; one submission).

Conditions:
Branchiootorenal syndrome 1. Also called: Branchio-Oto-Renal Syndrome 1. Identifiers: Orphanet 107, MedGen C4551702, MONDO:0007236, OMIM 113650.

Submission:

Institute of Rare Diseases, West China Hospital, Sichuan University
Classification: Pathogenic for Branchiootorenal syndrome 1. Last evaluated: 2025-01-09. Review status: criteria provided, single submitter. Criteria: ClinGen HL ACMG Specifications v1. Collection method: research. Allele origin: germline. Affected: yes.
Comment: PVS1;PS2;PM2_Supporting